The following is an entry in ClinVar:

ClinVar aggregate classification (germline): Uncertain significance (1 of 4 stars; one submission).

Allele frequency attached by ClinVar (database versions not stated): gnomAD exomes below 0.00001.
gnomAD v4.1: 1 of 1,517,896 alleles (0.000066%); highest among the groups gnomAD compares: Non-Finnish European, 0.000088%; no homozygotes.

Submission:

Labcorp Genetics (formerly Invitae), Labcorp
Classification: Uncertain significance. Last evaluated: 2022-07-26. Review status: criteria provided, single submitter. Criteria: Invitae Variant Classification Sherloc (09022015). Collection method: clinical testing. Allele origin: germline.
Comment: This sequence change replaces aspartic acid, which is acidic and polar, with glycine, which is neutral and non-polar, at codon 892 of the TUBGCP6 protein (p.Asp892Gly). The frequency data for this variant in the population databases is considered unreliable, as metrics indicate poor data quality at this position in the gnomAD database. This variant has not been reported in the literature in individuals affected with TUBGCP6-related conditions. Algorithms developed to predict the effect of missense changes on protein structure and function output the following: SIFT: "Tolerated"; PolyPhen-2: "Benign"; Align-GVGD: "Class C0". The glycine amino acid residue is found in multiple mammalian species, which suggests that this missense change does not adversely affect protein function. In summary, the available evidence is currently insufficient to determine the role of this variant in disease. Therefore, it has been classified as a Variant of Uncertain Significance.

NM_020461.4(TUBGCP6):c.2675A>G (p.Asp892Gly)

Gene: TUBGCP6 (tubulin gamma complex component 6; minus strand). Cytogenetic location: 22q13.33.
Variant type: single nucleotide variant.
Coding change: c.2675A>G on transcript NM_020461.4 (MANE Select); coding-DNA position 2675, A replaced by G.
Protein change: p.Asp892Gly; replaces aspartic acid 892 with glycine.
Molecular consequence: missense variant.
Genome position (GRCh38, 1-based): chr22:50,221,684, T>C on the plus strand (A>G on the coding strand, the complement: TUBGCP6 is on the minus strand). VCF-style: chr22-50221684-T-C. GRCh37 (hg19) VCF-style: chr22-50660113-T-C.
Other names: short protein forms D892G.
Identifiers: ClinVar variation 2083848 (VCV002083848.2), dbSNP rs1289120896, ClinGen allele CA412096701.
Genomic context (GRCh38, chr22:50,221,684, plus strand): 5'-GTCTGCACGGACGGCTCAGCCCCTGGGCCCACAGGTAGGAAGTCTCCAATGCTGAGGCTG[T>C]CAGAGAAGGGTCTGGCCCCCTCCGCCTGCTGCAGCCCCCTGCCACCAGCCCCCACTGCTA-3'
Protein context (NP_065194.3, residues 882-902): QQAEGARPFS[Asp892Gly]SLSIGDFLPV